The following is an entry in ClinVar:

ClinVar aggregate classification (germline): Uncertain significance (1 of 4 stars; one submission).

Conditions:
Aicardi-Goutieres syndrome 5. Identifiers: Orphanet 51, MedGen C2749659, MONDO:0013059, OMIM 612952.

Submission:

Labcorp Genetics (formerly Invitae), Labcorp
Classification: Uncertain significance for Aicardi-Goutieres syndrome 5. Last evaluated: 2024-08-12. Review status: criteria provided, single submitter. Criteria: Invitae Variant Classification Sherloc (09022015). Collection method: clinical testing. Allele origin: germline.
Comment: This sequence change replaces aspartic acid, which is acidic and polar, with glutamic acid, which is acidic and polar, at codon 319 of the SAMHD1 protein (p.Asp319Glu). This variant is not present in population databases (gnomAD no frequency). This variant has not been reported in the literature in individuals affected with SAMHD1-related conditions. ClinVar contains an entry for this variant (Variation ID: 2050688). Advanced modeling of protein sequence and biophysical properties (such as structural, functional, and spatial information, amino acid conservation, physicochemical variation, residue mobility, and thermodynamic stability) performed at Invitae indicates that this missense variant is expected to disrupt SAMHD1 protein function with a positive predictive value of 80%. In summary, the available evidence is currently insufficient to determine the role of this variant in disease. Therefore, it has been classified as a Variant of Uncertain Significance.

NM_015474.4(SAMHD1):c.957C>G (p.Asp319Glu)

Gene: SAMHD1 (SAM and HD domain containing deoxynucleoside triphosphate triphosphohydrolase 1; minus strand). Cytogenetic location: 20q11.23.
Variant type: single nucleotide variant.
Coding change: c.957C>G on transcript NM_015474.4 (MANE Select); coding-DNA position 957, C replaced by G.
Protein change: p.Asp319Glu; replaces aspartic acid 319 with glutamic acid.
Molecular consequence: missense variant.
Genome position (GRCh38, 1-based): chr20:36,916,827, G>C on the plus strand (C>G on the coding strand, the complement: SAMHD1 is on the minus strand). VCF-style: chr20-36916827-G-C. GRCh37 (hg19) VCF-style: chr20-35545230-G-C.
Other names: c.957C>G, p.Asp319Glu (NM_001363729.2, NM_001363733.2); short protein forms D319E.
Identifiers: ClinVar variation 2050688 (VCV002050688.4), dbSNP rs2515244380, ClinGen allele CA408845241.